The following is an entry in ClinVar:

NM_000094.4(COL7A1):c.6190G>A (p.Gly2064Arg)

Gene: COL7A1 (collagen type VII alpha 1 chain; minus strand). Cytogenetic location: 3p21.31.
Variant type: single nucleotide variant.
Coding change: c.6190G>A on transcript NM_000094.4 (MANE Select); coding-DNA position 6190, G replaced by A.
Protein change: p.Gly2064Arg; replaces glycine 2064 with arginine.
Molecular consequence: missense variant.
Genome position (GRCh38, 1-based): chr3:48,575,233, C>T on the plus strand (G>A on the coding strand, the complement: COL7A1 is on the minus strand). VCF-style: chr3-48575233-C-T. GRCh37 (hg19) VCF-style: chr3-48612666-C-T.
Other names: short protein forms G2064R.
Identifiers: ClinVar variation 279790 (VCV000279790.30), dbSNP rs866061439, ClinGen allele CA10602895.
Genomic context (GRCh38, chr3:48,575,233, plus strand): 5'-GACAGCCTGCCCCACGAAGCCCATCGCAGCCCACCTGTTCTCCACGTTCTCCTTTCTCTC[C>T]CCGTTCTCCCTGAAATGCAAATAGCGGGTGAGGGCCAAGCCCATGGGGGGTCCCACCCCT-3'
Protein context (NP_000085.1, residues 2054-2074): AGRPGERGER[Gly2064Arg]EKGERGEQGR

ClinVar aggregate classification (germline): Pathogenic/Likely pathogenic. Review status: criteria provided, multiple submitters, no conflicts (2 of 4 stars). 4 submissions from 4 submitters: Pathogenic (3); Likely pathogenic (1). Last evaluated 2023-08-31.

Conditions:
COL7A1-related disorder. Also called: COL7A1- related disorders; COL7A1-related condition.
Generalized dominant dystrophic epidermolysis bullosa (DDEB). Also called: DYSTROPHIC EPIDERMOLYSIS BULLOSA, AUTOSOMAL DOMINANT; Epidermolysis bullosa dystrophica, autosomal dominant; Dominant DEB (DDEB); DDEB, generalized; DDEB-gen. Identifiers: Orphanet 231568, MedGen C0432322, MONDO:0007549, OMIM 131750.

Allele frequency attached by ClinVar (database versions not stated): gnomAD 0.00001.
gnomAD v4.1: 1 of 1,613,930 alleles (0.000062%); highest among the groups gnomAD compares: Non-Finnish European, 0.000085%; no homozygotes.

Submissions (4):

Labcorp Genetics (formerly Invitae), Labcorp
Classification: Pathogenic. Last evaluated: 2023-08-31. Review status: criteria provided, single submitter. Criteria: Invitae Variant Classification Sherloc (09022015). Collection method: clinical testing. Allele origin: germline.
Comment: For these reasons, this variant has been classified as Pathogenic. This variant disrupts the triple helix domain of COL7A1. Glycine residues within the Gly-Xaa-Yaa repeats of the triple helix domain are required for the structure and stability of fibrillar collagens (PMID: 7695699, 8218237, 19344236), and variants at these glycine residues in COL7A1 are more frequently observed in individuals with disease than in the general population (PMID: 22058051). However, the clinical significance of this observation remains uncertain since only a limited number of affected individuals have been described to date. Advanced modeling of protein sequence and biophysical properties (such as structural, functional, and spatial information, amino acid conservation, physicochemical variation, residue mobility, and thermodynamic stability) performed at Invitae indicates that this missense variant is expected to disrupt COL7A1 protein function. ClinVar contains an entry for this variant (Variation ID: 279790). This missense change has been observed in individual(s) with dominant dystrophic epidermolysis bullosa (PMID: 9856843, 20598510). This variant is not present in population databases (gnomAD no frequency). This sequence change replaces glycine, which is neutral and non-polar, with arginine, which is basic and polar, at codon 2064 of the COL7A1 protein (p.Gly2064Arg).

GeneDx
Classification: Pathogenic. Last evaluated: 2023-01-23. Review status: criteria provided, single submitter. Criteria: GeneDx Variant Classification Process June 2021. Collection method: clinical testing. Allele origin: germline. Affected: yes.
Comment: Identified in additional patients with DDEB referred for genetic testing at GeneDx and in published literature (Kopeckova et al., 2016); Located in the highly conserved Gly-X-Y repeat of the collagenous domain; Glycine substitution variants in this region of the COLVII protein destabilize the collagen triple helix resulting in skin fragility due to poor anchoring of the basement membrane to the underlying dermis (Pfendner and Lucky, 2018); Not observed in large population cohorts (gnomAD); In silico analysis supports that this missense variant has a deleterious effect on protein structure/function; This variant is associated with the following publications: (PMID: 21448560, 25525159, 20598510, 22266148, 26707537, 35979658, 9856843)

Center for Research in Genodermatoses and Epidermolysis Bullosa, University of Buenos Aires
Classification: Pathogenic for Generalized dominant dystrophic epidermolysis bullosa. Last evaluated: 2022-03-14. Review status: criteria provided, single submitter. Criteria: ACMG Guidelines, 2015. Collection method: clinical testing. Allele origin: germline. Affected: yes. Observed: 7 variant alleles, 7 heterozygotes.

Blueprint Genetics
Classification: Likely pathogenic for COL7A1-related disorders. Last evaluated: 2021-07-31. Review status: criteria provided, single submitter. Criteria: ACMG Guidelines, 2015. Collection method: clinical testing. Allele origin: germline. Affected: yes. Observed: 1 variant allele.

Literature cited by the submitters: PubMed 7695699 (cited by Labcorp Genetics (formerly Invitae), Labcorp); PubMed 8218237 (cited by Labcorp Genetics (formerly Invitae), Labcorp); PubMed 19344236 (cited by Labcorp Genetics (formerly Invitae), Labcorp); PubMed 22058051 (cited by Labcorp Genetics (formerly Invitae), Labcorp); PubMed 9856843 (cited by Labcorp Genetics (formerly Invitae), Labcorp and Center for Research in Genodermatoses and Epidermolysis Bullosa, University of Buenos Aires); PubMed 20598510 (cited by Labcorp Genetics (formerly Invitae), Labcorp); PubMed 35979658 (cited by Center for Research in Genodermatoses and Epidermolysis Bullosa, University of Buenos Aires).